The following is an entry in ClinVar:

ClinVar aggregate classification (germline): Likely benign (1 of 4 stars; one submission).

gnomAD v4.1: 10 of 1,601,442 alleles (0.00062%); highest among the groups gnomAD compares: Admixed American, 0.0069%; no homozygotes.

Submission:

CeGaT Center for Human Genetics Tuebingen
Classification: Likely benign. Last evaluated: 2026-10-01. Review status: criteria provided, single submitter. Criteria: CeGaT Center For Human Genetics Tuebingen Variant Classification Criteria Version 2. Collection method: clinical testing. Allele origin: germline. Affected: yes. Observed: 1 variant allele.
Comment: PLEKHM1: BP4, BP7

NM_014798.3(PLEKHM1):c.2295C>T (p.Ala765=)

Gene: PLEKHM1 (pleckstrin homology and RUN domain containing M1; minus strand). Cytogenetic location: 17q21.31.
Variant type: single nucleotide variant.
Coding change: c.2295C>T on transcript NM_014798.3 (MANE Select); coding-DNA position 2295, C replaced by T.
Protein change: p.Ala765=; no amino-acid change (alanine 765 retained).
Molecular consequence: synonymous variant. On other transcripts: non-coding transcript variant (2).
Genome position (GRCh38, 1-based): chr17:45,453,557, G>A on the plus strand (C>T on the coding strand, the complement: PLEKHM1 is on the minus strand). VCF-style: chr17-45453557-G-A. GRCh37 (hg19) VCF-style: chr17-43530923-G-A.
Other names: c.2295C>T, p.Ala765= (NM_001352825.2).
Identifiers: ClinVar variation 5040908 (VCV005040908.1).